The following is an entry in ClinVar:

ClinVar aggregate classification (germline): Likely benign (1 of 4 stars; one submission).

gnomAD v4.1: 4 of 1,613,710 alleles (0.00025%); highest among the groups gnomAD compares: African/African-American, 0.004%; no homozygotes.

Submission:

Mayo Clinic Laboratories, Mayo Clinic
Classification: Likely benign. Last evaluated: 2025-06-05. Review status: criteria provided, single submitter. Criteria: ACMG Guidelines, 2015. Collection method: clinical testing. Allele origin: germline. Observed: 1 variant allele.
Comment: BP4, BP7

NM_000064.4(C3):c.2145C>T (p.Ser715=)

Gene: C3 (complement C3; minus strand). Cytogenetic location: 19p13.3.
Variant type: single nucleotide variant.
Coding change: c.2145C>T on transcript NM_000064.4 (MANE Select); coding-DNA position 2145, C replaced by T.
Protein change: p.Ser715=; no amino-acid change (serine 715 retained).
Molecular consequence: synonymous variant.
Genome position (GRCh38, 1-based): chr19:6,707,176, G>A on the plus strand (C>T on the coding strand, the complement: C3 is on the minus strand). VCF-style: chr19-6707176-G-A. GRCh37 (hg19) VCF-style: chr19-6707187-G-A.
Other names: p.Ser715=.
Identifiers: ClinVar variation 4684299 (VCV004684299.1).